The following is an entry in ClinVar:

NM_004304.5(ALK):c.1760A>T (p.Tyr587Phe)

Gene: ALK (ALK receptor tyrosine kinase; minus strand). Cytogenetic location: 2p23.2.
Variant type: single nucleotide variant.
Coding change: c.1760A>T on transcript NM_004304.5 (MANE Select); coding-DNA position 1760, A replaced by T.
Protein change: p.Tyr587Phe; replaces tyrosine 587 with phenylalanine.
Molecular consequence: missense variant.
Genome position (GRCh38, 1-based): chr2:29,296,945, T>A on the plus strand (A>T on the coding strand, the complement: ALK is on the minus strand). VCF-style: chr2-29296945-T-A. GRCh37 (hg19) VCF-style: chr2-29519811-T-A.
Other names: short protein forms Y587F.
Identifiers: ClinVar variation 2700330 (VCV002700330.3), dbSNP rs1338200771, ClinGen allele CA346466101.
Genomic context (GRCh38, chr2:29,296,945, plus strand): 5'-TACCTGTCAGACACATCGAGGAGAGGCAACACCATCCACTGCCACAGGCTCAAGCCTTCA[T>A]AGGCGGCGACATGCCAGACCATCCTGCCTTGCTCCTTCCCGGTTTTGTTCTCCACTAGCA-3'
Protein context (NP_004295.2, residues 577-597): QGRMVWHVAA[Tyr587Phe]EGLSLWQWMV

ClinVar aggregate classification (germline): Uncertain significance (1 of 4 stars; one submission).

Conditions:
Neuroblastoma, susceptibility to, 3. Also called: ALK-Related Neuroblastic Tumor Susceptibility. Identifiers: Orphanet 635, MedGen C2751681, MONDO:0013083, OMIM 613014.

Allele frequency attached by ClinVar (database versions not stated): gnomAD exomes below 0.00001.
gnomAD v4.1: 1 of 1,614,174 alleles (0.000062%); highest among the groups gnomAD compares: South Asian, 0.0011%; no homozygotes.

Submission:

Labcorp Genetics (formerly Invitae), Labcorp
Classification: Uncertain significance for Neuroblastoma, susceptibility to, 3. Last evaluated: 2023-12-24. Review status: criteria provided, single submitter. Criteria: Invitae Variant Classification Sherloc (09022015). Collection method: clinical testing. Allele origin: germline.
Comment: This sequence change replaces tyrosine, which is neutral and polar, with phenylalanine, which is neutral and non-polar, at codon 587 of the ALK protein (p.Tyr587Phe). This variant is present in population databases (no rsID available, gnomAD 0.003%). This variant has not been reported in the literature in individuals affected with ALK-related conditions. An algorithm developed to predict the effect of missense changes on protein structure and function (PolyPhen-2) suggests that this variant is likely to be tolerated. In summary, the available evidence is currently insufficient to determine the role of this variant in disease. Therefore, it has been classified as a Variant of Uncertain Significance.